The following is an entry in ClinVar:

NM_001165963.4(SCN1A):c.1847A>C (p.Glu616Ala)

Gene: SCN1A (sodium voltage-gated channel alpha subunit 1; minus strand). Cytogenetic location: 2q24.3.
Variant type: single nucleotide variant.
Coding change: c.1847A>C on transcript NM_001165963.4 (MANE Select); coding-DNA position 1847, A replaced by C.
Protein change: p.Glu616Ala; replaces glutamic acid 616 with alanine.
Molecular consequence: missense variant. On other transcripts: 5 prime UTR variant (1), non-coding transcript variant (1).
Genome position (GRCh38, 1-based): chr2:166,043,865, T>G on the plus strand (A>C on the coding strand, the complement: SCN1A is on the minus strand). VCF-style: chr2-166043865-T-G. GRCh37 (hg19) VCF-style: chr2-166900375-T-G.
Other names: c.1847A>C, p.Glu616Ala (NM_001165964.3, NM_001202435.3, NM_001353948.2 and 7 more transcripts); c.1844A>C, p.Glu615Ala (NM_001353954.2, NM_001353955.2, NM_001353960.2); c.-579A>C (NM_001353961.2); short protein forms E615A, E616A.
Identifiers: ClinVar variation 3634052 (VCV003634052.2).

ClinVar aggregate classification (germline): Uncertain significance (1 of 4 stars; one submission).

Conditions:
Early-infantile DEE. Also called: Early infantile epileptic encephalopathy; Ohtahara syndrome; Early infantile epileptic encephalopathy with suppression bursts. Identifiers: Orphanet 1934, MedGen C0393706, MONDO:0800491.

Submission:

Labcorp Genetics (formerly Invitae), Labcorp
Classification: Uncertain significance for Early-infantile DEE. Last evaluated: 2024-09-08. Review status: criteria provided, single submitter. Criteria: Invitae Variant Classification Sherloc (09022015). Collection method: clinical testing. Allele origin: germline.
Comment: This sequence change replaces glutamic acid, which is acidic and polar, with alanine, which is neutral and non-polar, at codon 616 of the SCN1A protein (p.Glu616Ala). This variant is not present in population databases (gnomAD no frequency). This variant has not been reported in the literature in individuals affected with SCN1A-related conditions. Invitae Evidence Modeling of protein sequence and biophysical properties (such as structural, functional, and spatial information, amino acid conservation, physicochemical variation, residue mobility, and thermodynamic stability) has been performed for this missense variant. However, the output from this modeling did not meet the statistical confidence thresholds required to predict the impact of this variant on SCN1A protein function. In summary, the available evidence is currently insufficient to determine the role of this variant in disease. Therefore, it has been classified as a Variant of Uncertain Significance.